The following is an entry in ClinVar:

ClinVar aggregate classification (germline): Conflicting classifications of pathogenicity. Review status: criteria provided, conflicting classifications (1 of 4 stars). 2 submissions from 2 submitters: Uncertain significance (1); Likely benign (1). Last evaluated 2025-09-30.

Conditions:
Aortic aneurysm, familial thoracic 7 (AAT7). Also called: AORTIC DISSECTION, FAMILIAL, WITH OR WITHOUT AORTIC ANEURYSM. Identifiers: MedGen C3151077, MONDO:0013418, OMIM 613780.
Familial thoracic aortic aneurysm and aortic dissection (TAAD). Also called: Thoracic aortic aneurysms and dissections. Identifiers: Orphanet 91387, MedGen C4707243, MONDO:0019625.

Allele frequency attached by ClinVar (database versions not stated): TOPMed 0.00001.
gnomAD v4.1: 5 of 1,614,074 alleles (0.00031%); highest among the groups gnomAD compares: Admixed American, 0.005%; no homozygotes.

Submissions (2):

Labcorp Genetics (formerly Invitae), Labcorp
Classification: Uncertain significance for Aortic aneurysm, familial thoracic 7. Last evaluated: 2025-09-30. Review status: criteria provided, single submitter. Criteria: Invitae Variant Classification Sherloc (09022015). Collection method: clinical testing. Allele origin: germline.
Comment: This sequence change replaces threonine, which is neutral and polar, with lysine, which is basic and polar, at codon 331 of the MYLK protein (p.Thr331Lys). This variant is present in population databases (no rsID available, gnomAD 0.003%). This variant has not been reported in the literature in individuals affected with MYLK-related conditions. ClinVar contains an entry for this variant (Variation ID: 1013863). Invitae Evidence Modeling of protein sequence and biophysical properties (such as structural, functional, and spatial information, amino acid conservation, physicochemical variation, residue mobility, and thermodynamic stability) indicates that this missense variant is not expected to disrupt MYLK protein function with a negative predictive value of 95%. In summary, the available evidence is currently insufficient to determine the role of this variant in disease. Therefore, it has been classified as a Variant of Uncertain Significance.

Ambry Genetics
Classification: Likely benign for Familial thoracic aortic aneurysm and aortic dissection. Last evaluated: 2022-04-19. Review status: criteria provided, single submitter. Criteria: Ambry Variant Classification Scheme 2023. Collection method: clinical testing. Allele origin: germline.

NM_053025.4(MYLK):c.992C>A (p.Thr331Lys)

Gene: MYLK (myosin light chain kinase; minus strand). Cytogenetic location: 3q21.1.
Variant type: single nucleotide variant.
Coding change: c.992C>A on transcript NM_053025.4 (MANE Select); coding-DNA position 992, C replaced by A.
Protein change: p.Thr331Lys; replaces threonine 331 with lysine.
Molecular consequence: missense variant.
Genome position (GRCh38, 1-based): chr3:123,734,004, G>T on the plus strand (C>A on the coding strand, the complement: MYLK is on the minus strand). VCF-style: chr3-123734004-G-T. GRCh37 (hg19) VCF-style: chr3-123452851-G-T.
Other names: c.464C>A, p.Thr155Lys (NM_001321309.2); c.992C>A, p.Thr331Lys (NM_053026.4, NM_053027.4, NM_053028.4); short protein forms T155K, T331K.
Identifiers: ClinVar variation 1013863 (VCV001013863.10), dbSNP rs371825849, ClinGen allele CA354239715.